The following is an entry in ClinVar:

ClinVar aggregate classification (germline): Uncertain significance. Review status: criteria provided, multiple submitters, no conflicts (2 of 4 stars). 2 submissions from 2 submitters: Uncertain significance (2). Last evaluated 2025-08-27.

gnomAD v4.1: 25 of 1,612,722 alleles (0.0016%); highest among the groups gnomAD compares: Middle Eastern, 0.016%; no homozygotes.

Submissions (2):

Ambry Genetics
Classification: Uncertain significance. Last evaluated: 2025-08-27. Review status: criteria provided, single submitter. Criteria: Ambry Variant Classification Scheme 2023. Collection method: clinical testing. Allele origin: germline.

GeneDx
Classification: Uncertain significance. Last evaluated: 2023-11-27. Review status: criteria provided, single submitter. Criteria: GeneDx Variant Classification Process June 2021. Collection method: clinical testing. Allele origin: germline. Affected: yes.
Comment: In silico analysis supports that this missense variant does not alter protein structure/function; Has not been previously published as pathogenic or benign to our knowledge

NM_001080397.3(SLC45A1):c.45C>G (p.Phe15Leu)

Gene: SLC45A1 (solute carrier family 45 member 1; plus strand). Cytogenetic location: 1p36.23.
Variant type: single nucleotide variant.
Coding change: c.45C>G on transcript NM_001080397.3 (MANE Select); coding-DNA position 45, C replaced by G.
Protein change: p.Phe15Leu; replaces phenylalanine 15 with leucine.
Molecular consequence: missense variant. On other transcripts: intron variant (2).
Genome position (GRCh38, 1-based): chr1:8,324,374, C>G. VCF-style: chr1-8324374-C-G. GRCh37 (hg19) VCF-style: chr1-8384434-C-G.
Other names: c.45C>G, p.Phe15Leu (NM_001379614.1, NM_001379615.1, NM_001379616.1); c.-116-1444C>G (NM_001379617.1, NM_001379618.1); c.45C>G (NM_001080397.1); short protein forms F15L.
Identifiers: ClinVar variation 3364709 (VCV003364709.2).